The following is an entry in ClinVar:

ClinVar aggregate classification (germline): Pathogenic/Likely pathogenic. Review status: criteria provided, multiple submitters, no conflicts (2 of 4 stars). 2 submissions from 2 submitters: Pathogenic (1); Likely pathogenic (1). Last evaluated 2024-09-27.

Conditions:
TBX5-related disorder. Also called: TBX5-related condition.
Aortic valve disease 2 (AOVD2). Identifiers: MedGen C3542024, MONDO:0013902, OMIM 614823.

Submissions (2):

Blueprint Genetics
Classification: Likely pathogenic for TBX5-related disorders. Last evaluated: 2024-09-27. Review status: criteria provided, single submitter. Criteria: ACMG Guidelines, 2015. Collection method: clinical testing. Allele origin: germline. Affected: yes. Observed: 1 variant allele.

Labcorp Genetics (formerly Invitae), Labcorp
Classification: Pathogenic for Aortic valve disease 2. Last evaluated: 2022-01-06. Review status: criteria provided, single submitter. Criteria: Invitae Variant Classification Sherloc (09022015). Collection method: clinical testing. Allele origin: germline.
Comment: This variant disrupts a region of the TBX5 protein in which other variant(s) (p.Ser372*) have been determined to be pathogenic (Invitae). This suggests that this is a clinically significant region of the protein, and that variants that disrupt it are likely to be disease-causing. Variants that disrupt the consensus splice site are a relatively common cause of aberrant splicing (PMID: 17576681, 9536098). Algorithms developed to predict the effect of sequence changes on RNA splicing suggest that this variant may disrupt the consensus splice site. This variant has not been reported in the literature in individuals affected with TBX5-related conditions. This variant is not present in population databases (gnomAD no frequency). This sequence change affects a donor splice site in intron 8 of the TBX5 gene. While this variant is not anticipated to result in nonsense mediated decay, it likely alters RNA splicing and results in a disrupted protein product. For these reasons, this variant has been classified as Pathogenic.

Literature cited by the submitters: PubMed 17576681 (cited by Labcorp Genetics (formerly Invitae), Labcorp); PubMed 9536098 (cited by Labcorp Genetics (formerly Invitae), Labcorp).

NM_181486.4(TBX5):c.982+1G>A

Gene: TBX5 (T-box transcription factor 5; minus strand). Cytogenetic location: 12q24.21.
Variant type: single nucleotide variant.
Coding change: c.982+1G>A on transcript NM_181486.4 (MANE Select); the canonical splice donor site of the intron after coding-DNA position 982, G replaced by A.
Molecular consequence: splice donor variant.
Genome position (GRCh38, 1-based): chr12:114,366,164, C>T on the plus strand (G>A on the coding strand, the complement: TBX5 is on the minus strand). VCF-style: chr12-114366164-C-T. GRCh37 (hg19) VCF-style: chr12-114803969-C-T.
Other names: c.832+1G>A (NM_080717.4); c.982+1G>A (NM_000192.3).
Identifiers: ClinVar variation 1409261 (VCV001409261.7), dbSNP rs2136373207, ClinGen allele CA386926204.